The following is an entry in ClinVar:

ClinVar aggregate classification (germline): Likely pathogenic (1 of 4 stars; one submission).

Conditions:
Neurodevelopmental disorder with hypotonia, brain anomalies, distinctive facies, and absent language. Also called: RNU4-2-Related Neurodevelopmental Disorder; ReNU SYNDROME; RNU4-2–Related Autosomal Dominant Neurodevelopmental Disorder. Identifiers: Orphanet 686488, MedGen C5935628, MONDO:0971172, OMIM 620851.

Submission:

Kasturba Medical College, Manipal, Kasturba Medical College, Manipal, Manipal Academy of Higher Education, Manipal, India
Classification: Likely pathogenic for Neurodevelopmental disorder with hypotonia, brain anomalies, distinctive facies, and absent language. Last evaluated: 2026-01-13. Review status: criteria provided, single submitter. Criteria: ACMG Guidelines, 2015. Collection method: research. Allele origin: de novo. Inheritance: Autosomal dominant inheritance. Affected: yes. Observed: 1 heterozygote.
Comment: This variant is absent in heterozygous and/or homozygous state in gnomAD population database (v4.1.0).

Literature cited by the submitters: PubMed 38991538.

NR_003137.3:n.69C>T

Gene: RNU4-2 (RNA, U4 small nuclear 2; minus strand).
Variant type: single nucleotide variant.
Identifiers: ClinVar variation 4685563 (VCV004685563.1).